The following is an entry in ClinVar:

ClinVar aggregate classification (germline): Uncertain significance (1 of 4 stars; one submission).

Submission:

Ambry Genetics
Classification: Uncertain significance. Last evaluated: 2024-06-25. Review status: criteria provided, single submitter. Criteria: Ambry Variant Classification Scheme 2023. Collection method: clinical testing. Allele origin: germline.
Comment: The p.I194T variant (also known as c.581T>C), located in coding exon 7 of the RAD54L gene, results from a T to C substitution at nucleotide position 581. The isoleucine at codon 194 is replaced by threonine, an amino acid with similar properties. This amino acid position is conserved. In addition, this alteration is predicted to be deleterious by in silico analysis. Based on the available evidence, the clinical significance of this variant remains unclear.

NM_003579.4(RAD54L):c.581T>C (p.Ile194Thr)

Gene: RAD54L (RAD54 like; plus strand). Cytogenetic location: 1p34.1.
Variant type: single nucleotide variant.
Coding change: c.581T>C on transcript NM_003579.4 (MANE Select); coding-DNA position 581, T replaced by C.
Protein change: p.Ile194Thr; replaces isoleucine 194 with threonine.
Molecular consequence: missense variant.
Genome position (GRCh38, 1-based): chr1:46,260,830, T>C. VCF-style: chr1-46260830-T-C. GRCh37 (hg19) VCF-style: chr1-46726502-T-C.
Other names: c.581T>C, p.Ile194Thr (NM_001142548.2); c.41T>C, p.Ile14Thr (NM_001370766.1); short protein forms I194T, I14T.
Identifiers: ClinVar variation 3429788 (VCV003429788.1).